The following is an entry in ClinVar:

NM_005475.3(SH2B3):c.1645C>G (p.Arg549Gly)

Gene: SH2B3 (SH2B adaptor protein 3; plus strand). Cytogenetic location: 12q24.12.
Variant type: single nucleotide variant.
Coding change: c.1645C>G on transcript NM_005475.3 (MANE Select); coding-DNA position 1645, C replaced by G.
Protein change: p.Arg549Gly; replaces arginine 549 with glycine.
Molecular consequence: missense variant.
Genome position (GRCh38, 1-based): chr12:111,448,219, C>G. VCF-style: chr12-111448219-C-G. GRCh37 (hg19) VCF-style: chr12-111886023-C-G.
Other names: c.1039C>G, p.Arg347Gly (NM_001291424.1); short protein forms R347G, R549G.
Identifiers: ClinVar variation 4864434 (VCV004864434.1).

ClinVar aggregate classification (germline): Uncertain significance (1 of 4 stars; one submission).

Conditions:
Inborn genetic diseases. Identifiers: MedGen C0950123, MeSH D030342.

Submission:

Ambry Genetics
Classification: Uncertain significance for Inborn genetic diseases. Last evaluated: 2026-04-26. Review status: criteria provided, single submitter. Criteria: Ambry Variant Classification Scheme 2023. Collection method: clinical testing. Allele origin: germline.
Comment: The p.R549G variant (also known as c.1645C>G), located in coding exon 7 of the SH2B3 gene, results from a C to G substitution at nucleotide position 1645. The arginine at codon 549 is replaced by glycine, an amino acid with dissimilar properties. This amino acid position is conserved. In addition, this alteration is predicted to be tolerated by in silico analysis. Based on the available evidence, the clinical significance of this variant remains unclear.